The following is an entry in ClinVar:

NM_000081.4(LYST):c.10206del (p.Thr3402_Met3403insTer)

Gene: LYST (lysosomal trafficking regulator; minus strand). Cytogenetic location: 1q42.3.
Variant type: Deletion.
Coding change: c.10206del on transcript NM_000081.4 (MANE Select); coding-DNA position 10206, one base deleted (C; older notation c.10206delC).
Protein change: p.Thr3402_Met3403insTer.
Molecular consequence: frameshift variant.
Genome position (GRCh38, 1-based): chr1:235,702,915, G deleted on the plus strand (C on the coding strand, the reverse complement: LYST is on the minus strand); the first of 2 consecutive G bases (chr1:235,702,915-235,702,916); deleting either gives the same sequence. VCF-style (leftmost placement, unchanged base first): chr1-235702914-TG-T. GRCh37 (hg19) VCF-style: chr1-235866214-TG-T.
Other names: c.10206del, p.Thr3402_Met3403insTer (NM_001301365.1).
Identifiers: ClinVar variation 2760702 (VCV002760702.3), dbSNP rs2527324049, ClinGen allele CA2697554991.
Genomic context (GRCh38, chr1:235,702,914, plus strand): 5'-GTCTGCTCACATGGGCCATGTGGAACAGCTGACGGGGAGTCTGCCCGTAGGTTTTTATCA[TG>T]GTTTCTAGCGCTCGTCTCTGAACTGGATCTTCAACTGCAGAGACATCCATTCCAAAATAT-3'

ClinVar aggregate classification (germline): Pathogenic (1 of 4 stars; one submission).

Conditions:
Chédiak-Higashi syndrome (CHS). Also called: Chediak-Higashi Syndrome. Identifiers: Orphanet 167, MedGen C0007965, MONDO:0008963, OMIM 214500.

Submission:

Labcorp Genetics (formerly Invitae), Labcorp
Classification: Pathogenic for Chédiak-Higashi syndrome. Last evaluated: 2023-09-14. Review status: criteria provided, single submitter. Criteria: Invitae Variant Classification Sherloc (09022015). Collection method: clinical testing. Allele origin: germline.
Comment: For these reasons, this variant has been classified as Pathogenic. This sequence change creates a premature translational stop signal (p.Met3403*) in the LYST gene. It is expected to result in an absent or disrupted protein product. Loss-of-function variants in LYST are known to be pathogenic (PMID: 9215679, 11857544). This variant is not present in population databases (gnomAD no frequency). This variant has not been reported in the literature in individuals affected with LYST-related conditions.

Literature cited by the submitters: PubMed 9215679; PubMed 11857544.